The following is an entry in ClinVar:

ClinVar aggregate classification (germline): Uncertain significance (1 of 4 stars; one submission).

Allele frequency attached by ClinVar (database versions not stated): gnomAD exomes below 0.00001; gnomAD 0.00001; TOPMed 0.00002.
gnomAD v4.1: 2 of 1,614,054 alleles (0.00012%); highest among the groups gnomAD compares: African/African-American, 0.0013%; no homozygotes.

Submission:

Labcorp Genetics (formerly Invitae), Labcorp
Classification: Uncertain significance. Last evaluated: 2020-01-27. Review status: criteria provided, single submitter. Criteria: Invitae Variant Classification Sherloc (09022015). Collection method: clinical testing. Allele origin: germline.
Comment: This sequence change replaces aspartic acid with histidine at codon 588 of the SLC7A14 protein (p.Asp588His). The aspartic acid residue is moderately conserved and there is a moderate physicochemical difference between aspartic acid and histidine. This variant is not present in population databases (ExAC no frequency). This variant has not been reported in the literature in individuals with SLC7A14-related conditions. Algorithms developed to predict the effect of missense changes on protein structure and function are either unavailable or do not agree on the potential impact of this missense change (SIFT: "Deleterious"; PolyPhen-2: "Benign"; Align-GVGD: "Class C0"). In summary, the available evidence is currently insufficient to determine the role of this variant in disease. Therefore, it has been classified as a Variant of Uncertain Significance.

NM_020949.3(SLC7A14):c.1762G>C (p.Asp588His)

Genes: SLC7A14 (solute carrier family 7 member 14; minus strand), SLC7A14-AS1 (SLC7A14 antisense RNA 1; plus strand). Cytogenetic location: 3q26.2.
Variant type: single nucleotide variant.
Coding change: c.1762G>C on transcript NM_020949.3 (MANE Select); coding-DNA position 1762, G replaced by C.
Protein change: p.Asp588His; replaces aspartic acid 588 with histidine.
Molecular consequence: missense variant.
Genome position (GRCh38, 1-based): chr3:170,480,520, C>G on the plus strand (G>C on the coding strand, the complement: SLC7A14 is on the minus strand). VCF-style: chr3-170480520-C-G. GRCh37 (hg19) VCF-style: chr3-170198309-C-G.
Other names: short protein forms D588H.
Identifiers: ClinVar variation 1053260 (VCV001053260.9), dbSNP rs1159786094, ClinGen allele CA355489311.
Genomic context (GRCh38, chr3:170,480,520, plus strand): 5'-TCAGCAGCACCATCAGAACAACCAGAAGGATGGCCCACCAGCTCTGCTCTGAGATGTAGT[C>G]AGAACCAAAGATGATGAAGGAGCAGAAGATGAACATGAGGATGAAGAGCAGGAGCACGCA-3'
Protein context (NP_066000.2, residues 578-598): IFCSFIIFGS[Asp588His]YISEQSWWAI